The following is an entry in ClinVar:

NM_199420.4(POLQ):c.1286A>G (p.Glu429Gly)

Gene: POLQ (DNA polymerase theta; minus strand). Cytogenetic location: 3q13.33.
Variant type: single nucleotide variant.
Coding change: c.1286A>G on transcript NM_199420.4 (MANE Select); coding-DNA position 1286, A replaced by G.
Protein change: p.Glu429Gly; replaces glutamic acid 429 with glycine.
Molecular consequence: missense variant.
Genome position (GRCh38, 1-based): chr3:121,520,053, T>C on the plus strand (A>G on the coding strand, the complement: POLQ is on the minus strand). VCF-style: chr3-121520053-T-C. GRCh37 (hg19) VCF-style: chr3-121238900-T-C.
Other names: short protein forms E429G.
Identifiers: ClinVar variation 3229826 (VCV003229826.1), dbSNP rs2546810268, ClinGen allele CA354119899.
Genomic context (GRCh38, chr3:121,520,053, plus strand): 5'-CCAGAAGAAAGAGTAGAAGTTGCCGCCAAGACCCGAATGAGACCTTGACGAAAGGCTCCT[T>C]CAATGATATCCCTCTCCTCAAAAGTAAGACCTAAAAAAAGGAGGTTTTTATATATTTATT-3'
Protein context (NP_955452.3, residues 419-439): GLTFEERDII[Glu429Gly]GAFRQGLIRV

ClinVar aggregate classification (germline): Uncertain significance (1 of 4 stars; one submission).

Allele frequency attached by ClinVar (database versions not stated): gnomAD exomes below 0.00001.
gnomAD v4.1: 3 of 1,612,686 alleles (0.00019%); highest among the groups gnomAD compares: Non-Finnish European, 0.00025%; no homozygotes.

Submission:

Ambry Genetics
Classification: Uncertain significance. Last evaluated: 2022-11-05. Review status: criteria provided, single submitter. Criteria: Ambry Variant Classification Scheme 2023. Collection method: clinical testing. Allele origin: germline.
Comment: The p.E429G variant (also known as c.1286A>G), located in coding exon 9 of the POLQ gene, results from an A to G substitution at nucleotide position 1286. The glutamic acid at codon 429 is replaced by glycine, an amino acid with similar properties. This amino acid position is conserved. In addition, this alteration is predicted to be deleterious by in silico analysis. Since supporting evidence is limited at this time, the clinical significance of this alteration remains unclear.